The following is an entry in ClinVar:

ClinVar aggregate classification (germline): Likely benign (1 of 4 stars; one submission).

Conditions:
TRPC5-related disorder. Also called: TRPC5-related condition.

Submission:

PreventionGenetics, part of Exact Sciences
Classification: Likely benign for TRPC5-related condition. Last evaluated: 2025-05-21. Review status: criteria provided, single submitter. Criteria: ACMG Guidelines, 2015. Collection method: clinical testing. Allele origin: germline.
Comment: This variant is classified as likely benign based on ACMG/AMP sequence variant interpretation guidelines (Richards et al. 2015 PMID: 25741868, with internal and published modifications).

NM_012471.3(TRPC5):c.1665G>T (p.Gly555=)

Gene: TRPC5 (transient receptor potential cation channel subfamily C member 5; minus strand). Cytogenetic location: Xq23.
Variant type: single nucleotide variant.
Coding change: c.1665G>T on transcript NM_012471.3 (MANE Select); coding-DNA position 1665, G replaced by T.
Protein change: p.Gly555=; no amino-acid change (glycine 555 retained).
Molecular consequence: synonymous variant.
Genome position (GRCh38, 1-based): chrX:111,847,149, C>A on the plus strand (G>T on the coding strand, the complement: TRPC5 is on the minus strand). VCF-style: chrX-111847149-C-A. GRCh37 (hg19) VCF-style: chrX-111090377-C-A.
Identifiers: ClinVar variation 4999449 (VCV004999449.1).